The following is an entry in ClinVar:

ClinVar aggregate classification (germline): Likely benign. Review status: criteria provided, multiple submitters, no conflicts (2 of 4 stars). 3 submissions from 3 submitters: Likely benign (3). Last evaluated 2025-09-16.

Allele frequency attached by ClinVar (database versions not stated): ExAC 0.00001; gnomAD 0.00001; gnomAD exomes 0.00002; TOPMed 0.00005.
gnomAD v4.1: 33 of 1,614,030 alleles (0.002%); highest among the groups gnomAD compares: Non-Finnish European, 0.0023%; no homozygotes.

Submissions (3):

Labcorp Genetics (formerly Invitae), Labcorp
Classification: Likely benign. Last evaluated: 2025-09-16. Review status: criteria provided, single submitter. Criteria: Invitae Variant Classification Sherloc (09022015). Collection method: clinical testing. Allele origin: germline.

Blueprint Genetics
Classification: Likely benign. Last evaluated: 2024-08-01. Review status: criteria provided, single submitter. Criteria: ACMG Guidelines, 2015. Collection method: clinical testing. Allele origin: germline.

CeGaT Center for Human Genetics Tuebingen
Classification: Likely benign. Last evaluated: 2023-02-01. Review status: criteria provided, single submitter. Criteria: CeGaT Center For Human Genetics Tuebingen Variant Classification Criteria Version 2. Collection method: clinical testing. Allele origin: germline. Affected: yes. Observed: 1 variant allele.
Comment: VPS13D: BP4, BP7

NM_015378.4(VPS13D):c.5505C>T (p.Ile1835=)

Gene: VPS13D (vacuolar protein sorting 13 homolog D; plus strand). Cytogenetic location: 1p36.22.
Variant type: single nucleotide variant.
Coding change: c.5505C>T on transcript NM_015378.4 (MANE Select); coding-DNA position 5505, C replaced by T.
Protein change: p.Ile1835=; no amino-acid change (isoleucine 1835 retained).
Molecular consequence: synonymous variant.
Genome position (GRCh38, 1-based): chr1:12,283,607, C>T. VCF-style: chr1-12283607-C-T. GRCh37 (hg19) VCF-style: chr1-12343664-C-T.
Other names: c.5505C>T, p.Ile1835= (NM_018156.4).
Identifiers: ClinVar variation 2638250 (VCV002638250.27), dbSNP rs761717515, ClinGen allele CA602322.